The following is an entry in ClinVar:

ClinVar aggregate classification (germline): Conflicting classifications of pathogenicity. Review status: criteria provided, conflicting classifications (1 of 4 stars). 2 submissions from 2 submitters: Uncertain significance (1); Likely benign (1). Last evaluated 2025-04-17.

Conditions:
Hereditary cancer-predisposing syndrome. Also called: Hereditary Cancer Syndrome; Hereditary neoplastic syndrome; Tumor predisposition; Neoplastic Syndromes, Hereditary. Identifiers: Orphanet 140162, MedGen C0027672, MeSH D009386, MONDO:0015356.

Allele frequency attached by ClinVar (database versions not stated): TOPMed below 0.00001; gnomAD exomes 0.00001.
gnomAD v4.1: 13 of 1,589,782 alleles (0.00082%); highest among the groups gnomAD compares: Non-Finnish European, 0.001%; no homozygotes.

Submissions (2):

Labcorp Genetics (formerly Invitae), Labcorp
Classification: Uncertain significance. Last evaluated: 2025-04-17. Review status: criteria provided, single submitter. Criteria: Invitae Variant Classification Sherloc (09022015). Collection method: clinical testing. Allele origin: germline.
Comment: This sequence change affects codon 848 of the MSH3 mRNA. It is a 'silent' change, meaning that it does not change the encoded amino acid sequence of the MSH3 protein. It affects a nucleotide within the consensus splice site. This variant is not present in population databases (gnomAD no frequency). This variant has not been reported in the literature in individuals affected with MSH3-related conditions. ClinVar contains an entry for this variant (Variation ID: 1399105). Algorithms developed to predict the effect of sequence changes on RNA splicing suggest that this variant is not likely to affect RNA splicing. In summary, the available evidence is currently insufficient to determine the role of this variant in disease. Therefore, it has been classified as a Variant of Uncertain Significance.

Ambry Genetics
Classification: Likely benign for Hereditary cancer-predisposing syndrome. Last evaluated: 2020-09-30. Review status: criteria provided, single submitter. Criteria: Ambry Variant Classification Scheme 2023. Collection method: clinical testing. Allele origin: germline.

NM_002439.5(MSH3):c.2544A>G (p.Arg848=)

Gene: MSH3 (mutS homolog 3; plus strand). Cytogenetic location: 5q14.1.
Variant type: single nucleotide variant.
Coding change: c.2544A>G on transcript NM_002439.5 (MANE Select); coding-DNA position 2544, A replaced by G.
Protein change: p.Arg848=; no amino-acid change (arginine 848 retained).
Molecular consequence: synonymous variant.
Genome position (GRCh38, 1-based): chr5:80,792,733, A>G. VCF-style: chr5-80792733-A-G. GRCh37 (hg19) VCF-style: chr5-80088552-A-G.
Identifiers: ClinVar variation 1399105 (VCV001399105.8), dbSNP rs1744629354, ClinGen allele CA445163456.